The following is an entry in ClinVar:

ClinVar aggregate classification (germline): Benign. Review status: criteria provided, multiple submitters, no conflicts (2 of 4 stars). 6 submissions from 6 submitters: Benign (6). Last evaluated 2026-02-01.

Conditions:
Short-rib thoracic dysplasia 6 with or without polydactyly (SRTD6). Also called: POLYDACTYLY WITH NEONATAL CHONDRODYSTROPHY, TYPE II; Majewski Syndrome; SHORT RIB-POLYDACTYLY SYNDROME, TYPE IIA; SHORT-RIB THORACIC DYSPLASIA 6 WITH POLYDACTYLY; SHORT-RIB THORACIC DYSPLASIA 6 WITHOUT POLYDACTYLY. Identifiers: MedGen C0024507, MONDO:0009894, OMIM 263520.

Allele frequency attached by ClinVar (database versions not stated): gnomAD exomes 0.00670 and 0.01510; ExAC 0.03162; ESP Exome Variant Server 0.06492; 1000 Genomes Project 0.07149; gnomAD 0.07214 and 0.07760; 1000 Genomes Project 30x 0.07698; TOPMed 0.08185.
gnomAD v4.1: 20,728 of 1,542,566 alleles (1.3%); highest among the groups gnomAD compares: African/African-American, 25%; 2,294 homozygotes.

Submissions (6):

Labcorp Genetics (formerly Invitae), Labcorp
Classification: Benign for Short-rib thoracic dysplasia 6 with or without polydactyly. Last evaluated: 2026-02-01. Review status: criteria provided, single submitter. Criteria: Invitae Variant Classification Sherloc (09022015). Collection method: clinical testing. Allele origin: germline.

ARUP Laboratories, Molecular Genetics and Genomics, ARUP Laboratories
Classification: Benign. Last evaluated: 2025-06-20. Review status: criteria provided, single submitter. Criteria: ARUP Molecular Germline Variant Investigation Process 2024. Collection method: clinical testing. Allele origin: germline.

Mayo Clinic Laboratories, Mayo Clinic
Classification: Benign. Last evaluated: 2023-04-03. Review status: criteria provided, single submitter. Criteria: ACMG Guidelines, 2015. Collection method: clinical testing. Allele origin: germline. Observed: 7 variant alleles.

Illumina Laboratory Services, Illumina
Classification: Benign for Short-rib thoracic dysplasia 6 with or without polydactyly. Last evaluated: 2018-01-12. Review status: criteria provided, single submitter. Criteria: ICSL Variant Classification Criteria 13 December 2019. Collection method: clinical testing. Allele origin: germline.
Comment: This variant was observed in the ICSL laboratory as part of a predisposition screen in an ostensibly healthy population. It had not been previously curated by ICSL or reported in the Human Gene Mutation Database (HGMD: prior to June 1st, 2018), and was therefore a candidate for classification through an automated scoring system. Utilizing variant allele frequency, disease prevalence and penetrance estimates, and inheritance mode, an automated score was calculated to assess if this variant is too frequent to cause the disease. Based on the score and internal cut-off values, a variant classified as benign is not then subjected to further curation. The score for this variant resulted in a classification of benign for this disease.

GeneDx
Classification: Benign. Last evaluated: 2016-06-07. Review status: criteria provided, single submitter. Criteria: GeneDx Variant Classification (06012015). Collection method: clinical testing. Allele origin: germline. Affected: yes.
Comment: This variant is considered likely benign or benign based on one or more of the following criteria: it is a conservative change, it occurs at a poorly conserved position in the protein, it is predicted to be benign by multiple in silico algorithms, and/or has population frequency not consistent with disease.

Breakthrough Genomics
Classification: Benign. Review status: criteria provided, single submitter. Criteria: ACMG Guidelines, 2015. Collection method: not provided. Allele origin: germline. Inheritance: Autosomal recessive inheritance. Affected: yes.

NM_001199397.3(NEK1):c.1068G>A (p.Arg356=)

Gene: NEK1 (NIMA related kinase 1; minus strand). Cytogenetic location: 4q33.
Variant type: single nucleotide variant.
Coding change: c.1068G>A on transcript NM_001199397.3 (MANE Select); coding-DNA position 1068, G replaced by A.
Protein change: p.Arg356=; no amino-acid change (arginine 356 retained).
Molecular consequence: synonymous variant. On other transcripts: non-coding transcript variant (2).
Genome position (GRCh38, 1-based): chr4:169,562,149, C>T on the plus strand (G>A on the coding strand, the complement: NEK1 is on the minus strand). VCF-style: chr4-169562149-C-T. GRCh37 (hg19) VCF-style: chr4-170483300-C-T.
Other names: p.Arg356=; c.1068G>A, p.Arg356= (NM_001199398.3, NM_001199399.3, NM_001199400.3 and 7 more transcripts); c.1068G>A (NM_001199397.2).
Identifiers: ClinVar variation 348117 (VCV000348117.30), dbSNP rs17055010, ClinGen allele CA3137870.